The following is an entry in ClinVar:

ClinVar aggregate classification (germline): Uncertain significance (1 of 4 stars; one submission).

Conditions:
SEMA3F-related disorder. Also called: SEMA3F-related condition.

Submission:

PreventionGenetics, part of Exact Sciences
Classification: Uncertain significance for SEMA3F-related condition. Last evaluated: 2026-06-29. Review status: criteria provided, single submitter. Criteria: ACMG Guidelines, 2015. Collection method: clinical testing. Allele origin: germline.
Comment: The SEMA3F c.2316G>C variant is predicted to result in the amino acid substitution p.Gln772His. To our knowledge, this variant has not been reported in the literature or in a large population database (gnomAD), indicating this variant is rare. At this time, the clinical significance of this variant is uncertain due to the absence of conclusive functional and genetic evidence.

NM_004186.5(SEMA3F):c.2316G>C (p.Gln772His)

Gene: SEMA3F (semaphorin 3F; plus strand). Cytogenetic location: 3p21.31.
Variant type: single nucleotide variant.
Coding change: c.2316G>C on transcript NM_004186.5 (MANE Select); coding-DNA position 2316, G replaced by C.
Protein change: p.Gln772His; replaces glutamine 772 with histidine.
Molecular consequence: missense variant.
Genome position (GRCh38, 1-based): chr3:50,188,073, G>C. VCF-style: chr3-50188073-G-C. GRCh37 (hg19) VCF-style: chr3-50225506-G-C.
Other names: c.2019G>C, p.Gln673His (NM_001318798.2); c.2223G>C, p.Gln741His (NM_001318800.2); short protein forms Q673H, Q772H, Q741H.
Identifiers: ClinVar variation 4994398 (VCV004994398.1).
Genomic context (GRCh38, chr3:50,188,073, plus strand): 5'-TGTGCCCCCCAGCCCCAGGGAGGCTCCAGGGGCACCCCGGTCTCCTGAGCCCCAGGACCA[G>C]AAAAAGCCCCGGAACCGCCGGCACCACCCTCCGGACACATGAGGCCAGCTGCCTGTGCCT-3'
Protein context (NP_004177.3, residues 762-782): GAPRSPEPQD[Gln772His]KKPRNRRHHP